The following is an entry in ClinVar:

ClinVar aggregate classification (germline): Uncertain significance. Review status: criteria provided, multiple submitters, no conflicts (2 of 4 stars). 2 submissions from 2 submitters: Uncertain significance (2). Last evaluated 2023-06-27.

Conditions:
Aortic aneurysm, familial thoracic 7 (AAT7). Also called: AORTIC DISSECTION, FAMILIAL, WITH OR WITHOUT AORTIC ANEURYSM. Identifiers: MedGen C3151077, MONDO:0013418, OMIM 613780.

Allele frequency attached by ClinVar (database versions not stated): gnomAD exomes 0.00001.
gnomAD v4.1: 4 of 1,614,160 alleles (0.00025%); highest among the groups gnomAD compares: Non-Finnish European, 0.00034%; no homozygotes.

Submissions (2):

Labcorp Genetics (formerly Invitae), Labcorp
Classification: Uncertain significance for Aortic aneurysm, familial thoracic 7. Last evaluated: 2023-06-27. Review status: criteria provided, single submitter. Criteria: Invitae Variant Classification Sherloc (09022015). Collection method: clinical testing. Allele origin: germline.
Comment: In summary, the available evidence is currently insufficient to determine the role of this variant in disease. Therefore, it has been classified as a Variant of Uncertain Significance. Advanced modeling of protein sequence and biophysical properties (such as structural, functional, and spatial information, amino acid conservation, physicochemical variation, residue mobility, and thermodynamic stability) performed at Invitae indicates that this missense variant is not expected to disrupt MYLK protein function. This variant has not been reported in the literature in individuals affected with MYLK-related conditions. This variant is present in population databases (no rsID available, gnomAD 0.0009%). This sequence change replaces lysine, which is basic and polar, with glutamine, which is neutral and polar, at codon 903 of the MYLK protein (p.Lys903Gln).

GeneDx
Classification: Uncertain significance. Last evaluated: 2022-12-14. Review status: criteria provided, single submitter. Criteria: GeneDx Variant Classification Process June 2021. Collection method: clinical testing. Allele origin: germline. Affected: yes.
Comment: Has not been previously published as pathogenic or benign to our knowledge; Not observed at significant frequency in large population cohorts (gnomAD); In silico analysis supports that this missense variant does not alter protein structure/function

NM_053025.4(MYLK):c.2707A>C (p.Lys903Gln)

Gene: MYLK (myosin light chain kinase; minus strand). Cytogenetic location: 3q21.1.
Variant type: single nucleotide variant.
Coding change: c.2707A>C on transcript NM_053025.4 (MANE Select); coding-DNA position 2707, A replaced by C.
Protein change: p.Lys903Gln; replaces lysine 903 with glutamine.
Molecular consequence: missense variant.
Genome position (GRCh38, 1-based): chr3:123,700,761, T>G on the plus strand (A>C on the coding strand, the complement: MYLK is on the minus strand). VCF-style: chr3-123700761-T-G. GRCh37 (hg19) VCF-style: chr3-123419608-T-G.
Other names: c.2179A>C, p.Lys727Gln (NM_001321309.2); c.2500A>C, p.Lys834Gln (NM_053026.4, NM_053028.4); c.2707A>C, p.Lys903Gln (NM_053027.4); short protein forms K727Q, K834Q, K903Q.
Identifiers: ClinVar variation 2506002 (VCV002506002.4), dbSNP rs1320883900, ClinGen allele CA354231804.